The following is an entry in ClinVar:

ClinVar aggregate classification (germline): Uncertain significance (1 of 4 stars; one submission).

Conditions:
Atrial fibrillation, familial, 18 (ATFB18). Identifiers: MedGen C4310636, MONDO:0015001, OMIM 617280.

gnomAD v4.1: 1 of 1,614,160 alleles (0.000062%); highest among the groups gnomAD compares: African/African-American, 0.0013%; no homozygotes.

Submission:

Labcorp Genetics (formerly Invitae), Labcorp
Classification: Uncertain significance for Atrial fibrillation, familial, 18. Last evaluated: 2025-05-04. Review status: criteria provided, single submitter. Criteria: Invitae Variant Classification Sherloc (09022015). Collection method: clinical testing. Allele origin: germline.
Comment: This sequence change replaces lysine, which is basic and polar, with asparagine, which is neutral and polar, at codon 165 of the MYL4 protein (p.Lys165Asn). This variant is not present in population databases (gnomAD no frequency). This variant has not been reported in the literature in individuals affected with MYL4-related conditions. An algorithm developed to predict the effect of missense changes on protein structure and function (PolyPhen-2) suggests that this variant is likely to be disruptive. In summary, the available evidence is currently insufficient to determine the role of this variant in disease. Therefore, it has been classified as a Variant of Uncertain Significance.

NM_002476.2(MYL4):c.495G>T (p.Lys165Asn)

Gene: MYL4 (myosin light chain 4; plus strand). Cytogenetic location: 17q21.32.
Variant type: single nucleotide variant.
Coding change: c.495G>T on transcript NM_002476.2 (MANE Select); coding-DNA position 495, G replaced by T.
Protein change: p.Lys165Asn; replaces lysine 165 with asparagine.
Molecular consequence: missense variant.
Genome position (GRCh38, 1-based): chr17:47,222,387, G>T. VCF-style: chr17-47222387-G-T. GRCh37 (hg19) VCF-style: chr17-45299753-G-T.
Other names: c.495G>T, p.Lys165Asn (NM_001002841.2); short protein forms K165N.
Identifiers: ClinVar variation 4747751 (VCV004747751.1).
Genomic context (GRCh38, chr17:47,222,387, plus strand): 5'-TCCTCCTTTGCCATCTGTAATTAAGAGCGCACCACCTCCCAAACCCACCGCAGGAGAGAA[G>T]ATGACTGAGGCTGAAGTGGAGCAGCTGTTAGCTGGGCAAGAGGATGCCAATGGCTGCATC-3'
Protein context (NP_002467.1, residues 155-175): LRHVLATLGE[Lys165Asn]MTEAEVEQLL